The following is an entry in ClinVar:

NM_004415.4(DSP):c.7931G>C (p.Ser2644Thr)

Gene: DSP (desmoplakin; plus strand). Cytogenetic location: 6p24.3.
Variant type: single nucleotide variant.
Coding change: c.7931G>C on transcript NM_004415.4 (MANE Select); coding-DNA position 7931, G replaced by C.
Protein change: p.Ser2644Thr; replaces serine 2644 with threonine.
Molecular consequence: missense variant.
Genome position (GRCh38, 1-based): chr6:7,585,193, G>C. VCF-style: chr6-7585193-G-C. GRCh37 (hg19) VCF-style: chr6-7585426-G-C.
Other names: c.6134G>C, p.Ser2045Thr (NM_001008844.3); c.6602G>C, p.Ser2201Thr (NM_001319034.2); short protein forms S2045T, S2201T, S2644T.
Identifiers: ClinVar variation 923617 (VCV000923617.4), dbSNP rs1759607288, ClinGen allele CA362694087.

ClinVar aggregate classification (germline): Uncertain significance (1 of 4 stars; one submission).

Conditions:
Cardiomyopathy (CMYO). Also called: Cardiomyopathies. Identifiers: Orphanet 167848, MedGen C0878544, MONDO:0004994, HP:0001638. Inheritance: Various modes of inheritance.

Submission:

Color Diagnostics, LLC DBA Color Health
Classification: Uncertain significance for Cardiomyopathy. Last evaluated: 2024-03-06. Review status: criteria provided, single submitter. Criteria: ACMG Guidelines, 2015. Collection method: clinical testing. Allele origin: germline.
Comment: This missense variant replaces serine with threonine at codon 2644 of the DSP protein. Computational prediction suggests that this variant may not impact protein structure and function (internally defined REVEL score threshold <= 0.5, PMID: 27666373). Splice site prediction tools suggest that this variant may not impact RNA splicing. To our knowledge, functional studies have not been performed for this variant. This variant has not been reported in individuals affected with cardiovascular disorders in the literature. This variant has not been identified in the general population by the Genome Aggregation Database (gnomAD). The available evidence is insufficient to determine the role of this variant in disease conclusively. Therefore, this variant is classified as a Variant of Uncertain Significance.